The following is an entry in ClinVar:

NM_000138.5(FBN1):c.4980A>G (p.Pro1660=)

Gene: FBN1 (fibrillin 1; minus strand). Cytogenetic location: 15q21.1.
Variant type: single nucleotide variant.
Coding change: c.4980A>G on transcript NM_000138.5 (MANE Select); coding-DNA position 4980, A replaced by G.
Protein change: p.Pro1660=; no amino-acid change (proline 1660 retained).
Molecular consequence: synonymous variant.
Genome position (GRCh38, 1-based): chr15:48,463,984, T>C on the plus strand (A>G on the coding strand, the complement: FBN1 is on the minus strand). VCF-style: chr15-48463984-T-C. GRCh37 (hg19) VCF-style: chr15-48756181-T-C.
Identifiers: ClinVar variation 921819 (VCV000921819.8), dbSNP rs757202254, ClinGen allele CA054105.

ClinVar aggregate classification (germline): Benign/Likely benign. Review status: criteria provided, multiple submitters, no conflicts (2 of 4 stars). 5 submissions from 5 submitters: Benign (1); Likely benign (4). Last evaluated 2024-09-23.

Conditions:
Marfan syndrome (MFS). Also called: Marfan syndrome, classic; Marfan syndrome type 1; Marfan's syndrome; FBN1-Related Marfan Syndrome; MARFAN SYNDROME, TYPE I. Identifiers: Orphanet 284963, Orphanet 558, MedGen C0024796, MONDO:0007947, OMIM 154700.
Familial thoracic aortic aneurysm and aortic dissection (TAAD). Also called: Thoracic aortic aneurysms and dissections. Identifiers: Orphanet 91387, MedGen C4707243, MONDO:0019625.

Allele frequency attached by ClinVar (database versions not stated): ExAC 0.00001; TOPMed 0.00002; gnomAD exomes 0.00001 and below 0.00001; gnomAD 0.00001.
gnomAD v4.1: 4 of 1,613,766 alleles (0.00025%); highest among the groups gnomAD compares: African/African-American, 0.004%; no homozygotes.

Submissions (5):

All of Us Research Program, National Institutes of Health
Classification: Likely benign for Marfan syndrome. Last evaluated: 2024-09-23. Review status: criteria provided, single submitter. Criteria: ACMG Guidelines, 2015. Collection method: clinical testing. Allele origin: germline. Inheritance: Autosomal dominant inheritance. Observed: 1 variant allele, 1 heterozygote.
Comment: This study involves interpretation of variants in research participants for the purpose of population health screening. Participant phenotype was not available at the time of variant classification. Additional details can be found in publication PMID: 35346344, PMCID: PMC8962531

Labcorp Genetics (formerly Invitae), Labcorp
Classification: Benign for Marfan syndrome; Familial thoracic aortic aneurysm and aortic dissection. Last evaluated: 2024-03-16. Review status: criteria provided, single submitter. Criteria: Invitae Variant Classification Sherloc (09022015). Collection method: clinical testing. Allele origin: germline.

Blueprint Genetics
Classification: Likely benign. Last evaluated: 2023-11-28. Review status: criteria provided, single submitter. Criteria: ACMG Guidelines, 2015. Collection method: clinical testing. Allele origin: germline.

Ambry Genetics
Classification: Likely benign for Familial thoracic aortic aneurysm and aortic dissection. Last evaluated: 2023-01-13. Review status: criteria provided, single submitter. Criteria: Ambry Variant Classification Scheme 2023. Collection method: clinical testing. Allele origin: germline.

Color Diagnostics, LLC DBA Color Health
Classification: Likely benign for Familial thoracic aortic aneurysm and aortic dissection. Last evaluated: 2019-08-19. Review status: criteria provided, single submitter. Criteria: ACMG Guidelines, 2015. Collection method: clinical testing. Allele origin: germline.